The following is an entry in ClinVar:

ClinVar aggregate classification (germline): Uncertain significance (1 of 4 stars; one submission).

Conditions:
Familial intrahepatic cholestasis. Identifiers: Orphanet 284385, MedGen CN296401, MONDO:0017290.

Submission:

Genomenon, Inc
Classification: Uncertain significance for Familial intrahepatic cholestasis. Last evaluated: 2026-04-14. Review status: criteria provided, single submitter. Criteria: Genomenon Sequence Variant Interpretation Standards - Updated. Collection method: curation. Allele origin: germline. Affected: yes.
Comment: ABCB4 p.Gly319Arg (c.955G>C) is a missense variant that changes the amino acid at residue 319 from Glycine to Arginine. This variant has been observed in at least one proband with an ABCB4-related disorder (PMID:36550572;33215027). It is absent or not present at a significant frequency in gnomAD. In silico models predict that this variant is possibly or probably damaging. In conclusion, we classify ABCB4 p.Gly319Arg (c.955G>C) as a variant of uncertain significance.

Literature cited by the submitters: PubMed 36550572; PubMed 33215027.

NM_000443.4(ABCB4):c.955G>C (p.Gly319Arg)

Gene: ABCB4 (ATP binding cassette subfamily B member 4; minus strand). Cytogenetic location: 7q21.12.
Variant type: single nucleotide variant.
Coding change: c.955G>C on transcript NM_000443.4 (MANE Select); coding-DNA position 955, G replaced by C.
Protein change: p.Gly319Arg; replaces glycine 319 with arginine.
Molecular consequence: missense variant.
Genome position (GRCh38, 1-based): chr7:87,447,084, C>G on the plus strand (G>C on the coding strand, the complement: ABCB4 is on the minus strand). VCF-style: chr7-87447084-C-G. GRCh37 (hg19) VCF-style: chr7-87076400-C-G.
Other names: c.955G>C, p.Gly319Arg (NM_018849.3, NM_018850.3); short protein forms G319R.
Identifiers: ClinVar variation 4846466 (VCV004846466.1).